The following is an entry in ClinVar:

NM_001369369.1(FOXN1):c.1184C>T (p.Pro395Leu)

Gene: FOXN1 (forkhead box N1; plus strand). Cytogenetic location: 17q11.2.
Variant type: single nucleotide variant.
Coding change: c.1184C>T on transcript NM_001369369.1 (MANE Select); coding-DNA position 1184, C replaced by T.
Protein change: p.Pro395Leu; replaces proline 395 with leucine.
Molecular consequence: missense variant.
Genome position (GRCh38, 1-based): chr17:28,534,755, C>T. VCF-style: chr17-28534755-C-T. GRCh37 (hg19) VCF-style: chr17-26861773-C-T.
Other names: NM_001369369.1(FOXN1):c.1184C>T; p.Pro395Leu; c.1184C>T, p.Pro395Leu (NM_003593.3); short protein forms P395L.
Identifiers: ClinVar variation 322428 (VCV000322428.18), dbSNP rs199739943, ClinGen allele CA8459468.
Genomic context (GRCh38, chr17:28,534,755, plus strand): 5'-TGGGCCTTTCAGAAGAGCTGGACAGCCTCATTGGAGACAAGAGAGAAAAGCTGGGCTCCC[C>T]ACTCCTGGGCTGTCCGCCCCCTGGGCTGTCCGGCTCAGGCCCCATCCGGCCCCTGGCACC-3'
Protein context (NP_001356298.1, residues 385-405): IGDKREKLGS[Pro395Leu]LLGCPPPGLS

ClinVar aggregate classification (germline): Likely benign. Review status: reviewed by expert panel (3 of 4 stars). 5 submissions from 5 submitters: Likely benign (1). 4 of the submissions do not count toward it. Last evaluated 2024-10-25.

Conditions:
T-cell immunodeficiency, congenital alopecia, and nail dystrophy. Also called: Congenital alopecia and nail dystrophy associated with severe functional T-cell immunodeficiency; Pignata Guarino syndrome. Identifiers: Orphanet 169095, MedGen C1866426, MONDO:0011132, OMIM 601705.

Allele frequency attached by ClinVar (database versions not stated): TOPMed 0.00030; gnomAD exomes 0.00036 and 0.00073; 1000 Genomes Project 30x 0.00047; gnomAD 0.00050 and 0.00056; 1000 Genomes Project 0.00060; ExAC 0.00068.
gnomAD v4.1: 632 of 1,613,646 alleles (0.039%); highest among the groups gnomAD compares: East Asian, 0.3%; 2 homozygotes.

Submissions (5):

ClinGen Severe Combined Immunodeficiency Variant Curation Expert Panel, ClinGen
Classification: Likely benign for T-cell immunodeficiency, congenital alopecia, and nail dystrophy. Last evaluated: 2024-10-25. Review status: reviewed by expert panel. Criteria: ClinGen SCID ACMG Specifications FOXN1 V1.0.0. Collection method: curation. Allele origin: germline. Inheritance: Semidominant inheritance.
Comment: The variant NM_001369369.1(FOXN1):c.1184C>T is predicted to cause a proline to leucine substitution at amino acid position 395. The variant has a Grpmax allele frequency of 0.002555 based upon the East Asian population in gnomADv4.0, which is greater than 0.00141 and thus meets BS1 criteria. The meta predictor Revel predicts the variant has no deleterious effect on protein function with a score of of 0.249, which is less than 0.290. The variant is also predicted by SpliceAI not to impact splicing (delta = 0.01). The variant was found in the heterozygous state in sample 604 from PMID: 31672859 in a patient who displayed T and B-cell counts within the reference range and TREC values at 0 months of 123.1 uL (PP4 not met). In summary this variant meets criteria to be classified as likely benign for semidominant cell immunodeficiency, congenital alopecia, and nail dystrophy due to FOXN1 deficiency based on the ACMG/AMP criteria applied: BS1 and BP4 as specified by the ClinGen SCID VCEP FOXN1 subgroup.

Labcorp Genetics (formerly Invitae), Labcorp
Classification: Likely benign for T-cell immunodeficiency, congenital alopecia, and nail dystrophy. Last evaluated: 2026-01-28. Review status: criteria provided, single submitter. Criteria: Invitae Variant Classification Sherloc (09022015). Collection method: clinical testing. Allele origin: germline. Not counted in ClinVar's aggregate classification.

Blueprint Genetics
Classification: Likely benign. Last evaluated: 2024-09-30. Review status: criteria provided, single submitter. Criteria: ACMG Guidelines, 2015. Collection method: clinical testing. Allele origin: germline. Not counted in ClinVar's aggregate classification.

Baylor Genetics
Classification: Uncertain significance for T-cell immunodeficiency, congenital alopecia, and nail dystrophy. Last evaluated: 2019-03-25. Review status: criteria provided, single submitter. Criteria: ACMG Guidelines, 2015. Collection method: clinical testing. Allele origin: maternal. Affected: yes. Not counted in ClinVar's aggregate classification.
Comment: This variant was determined to be of uncertain significance according to ACMG Guidelines, 2015 [PMID:25741868].

Illumina Laboratory Services, Illumina
Classification: Uncertain significance for T-cell immunodeficiency, congenital alopecia, and nail dystrophy. Last evaluated: 2018-01-13. Review status: criteria provided, single submitter. Criteria: ICSL Variant Classification Criteria 13 December 2019. Collection method: clinical testing. Allele origin: germline. Not counted in ClinVar's aggregate classification.